The following is an entry in ClinVar:

NM_030632.3(ASXL3):c.1609_1612del (p.Leu537fs)

Gene: ASXL3 (ASXL transcriptional regulator 3; plus strand). Cytogenetic location: 18q12.1.
Variant type: Deletion.
Coding change: c.1609_1612del on transcript NM_030632.3 (MANE Select); coding-DNA positions 1609 to 1612, 4 bases deleted (TTAG; older notation c.1609_1612delTTAG).
Protein change: p.Leu537fs; shifts the reading frame from leucine 537.
Molecular consequence: frameshift variant.
Genome position (GRCh38, 1-based): chr18:33,739,013-33,739,016, TTAG deleted; deleting any 4 consecutive bases within chr18:33,739,011-33,739,016 gives the same sequence; the c. name uses the placement nearest the transcript's 3' end. VCF-style (leftmost placement, unchanged base first): chr18-33739010-CAGTT-C. GRCh37 (hg19) VCF-style: chr18-31318974-CAGTT-C.
Other names: short protein forms L537fs.
Identifiers: ClinVar variation 2692440 (VCV002692440.1), dbSNP rs2510917065, ClinGen allele CA2697555379.
Genomic context (GRCh38, chr18:33,739,010, plus strand): 5'-GAAGTTAAGATAGAAGGGAAGTCAGAATCACCCCAGGAAGAAATGACAGTTGTTATCGAT[CAGTT>C]AGAAGTCTGTGACTCTCTTATTCCTTCCACTTCATCTATGACTCATGTCAGTGACACAGA-3'

ClinVar aggregate classification (germline): Likely pathogenic (1 of 4 stars; one submission).

Conditions:
Bainbridge-Ropers syndrome. Also called: Severe feeding difficulties-failure to thrive-microcephaly due to ASXL3 deficiency syndrome. Identifiers: Orphanet 352577, MedGen C4750837, MONDO:0014205, OMIM 615485.

Submission:

Greenwood Genetic Center Diagnostic Laboratories, Greenwood Genetic Center
Classification: Likely pathogenic for Bainbridge-Ropers syndrome. Last evaluated: 2023-11-06. Review status: criteria provided, single submitter. Criteria: ACMG Guidelines, 2015. Collection method: clinical testing. Allele origin: germline. Affected: yes.
Comment: PVS1, PM2